The following is an entry in ClinVar:

ClinVar aggregate classification (germline): Uncertain significance (1 of 4 stars; one submission).

Allele frequency attached by ClinVar (database versions not stated): TOPMed 0.00001; ExAC 0.00004.
gnomAD v4.1: 17 of 1,613,696 alleles (0.0011%); highest among the groups gnomAD compares: Admixed American, 0.0083%; 1 homozygote.

Submission:

Labcorp Genetics (formerly Invitae), Labcorp
Classification: Uncertain significance. Last evaluated: 2022-05-04. Review status: criteria provided, single submitter. Criteria: Invitae Variant Classification Sherloc (09022015). Collection method: clinical testing. Allele origin: germline.
Comment: This variant is present in population databases (rs746881352, gnomAD 0.01%). In summary, the available evidence is currently insufficient to determine the role of this variant in disease. Therefore, it has been classified as a Variant of Uncertain Significance. Algorithms developed to predict the effect of missense changes on protein structure and function are either unavailable or do not agree on the potential impact of this missense change (SIFT: "Tolerated"; PolyPhen-2: "Probably Damaging"; Align-GVGD: "Class C0"). This variant has not been reported in the literature in individuals affected with HTRA2-related conditions. This sequence change replaces aspartic acid, which is acidic and polar, with asparagine, which is neutral and polar, at codon 386 of the HTRA2 protein (p.Asp386Asn).

NM_013247.5(HTRA2):c.1156G>A (p.Asp386Asn)

Genes: HTRA2 (HtrA serine peptidase 2; plus strand), LOXL3 (lysyl oxidase like 3; minus strand). Cytogenetic location: 2p13.1.
Variant type: single nucleotide variant.
Coding change: c.1156G>A on transcript NM_013247.5 (MANE Select); coding-DNA position 1156, G replaced by A.
Protein change: p.Asp386Asn; replaces aspartic acid 386 with asparagine.
Molecular consequence: missense variant. On other transcripts: non-coding transcript variant (4), 3 prime UTR variant (3), intron variant (3).
Genome position (GRCh38, 1-based): chr2:74,532,659, G>A. VCF-style: chr2-74532659-G-A. GRCh37 (hg19) VCF-style: chr2-74759786-G-A.
Other names: c.*947C>T (NM_001289164.3, NM_001289165.2, NM_032603.5); c.1146-161G>A (NM_001321727.1); c.1116-161G>A (NM_001321728.1); c.921-161G>A (NM_145074.2); short protein forms D386N.
Identifiers: ClinVar variation 1985758 (VCV001985758.3), dbSNP rs746881352, ClinGen allele CA1728583.